The following is an entry in ClinVar:

NM_003873.7(NRP1):c.55G>A (p.Ala19Thr)

Gene: NRP1 (neuropilin 1; minus strand). Cytogenetic location: 10p11.22.
Variant type: single nucleotide variant.
Coding change: c.55G>A on transcript NM_003873.7 (MANE Select); coding-DNA position 55, G replaced by A.
Protein change: p.Ala19Thr; replaces alanine 19 with threonine.
Molecular consequence: missense variant. On other transcripts: non-coding transcript variant (1).
Genome position (GRCh38, 1-based): chr10:33,334,328, C>T on the plus strand (G>A on the coding strand, the complement: NRP1 is on the minus strand). VCF-style: chr10-33334328-C-T. GRCh37 (hg19) VCF-style: chr10-33623256-C-T.
Other names: c.55G>A, p.Ala19Thr (NM_001024628.3, NM_001024629.3, NM_001244972.2 and 2 more transcripts); short protein forms A19T.
Identifiers: ClinVar variation 3347302 (VCV003347302.1).
Genomic context (GRCh38, chr10:33,334,328, plus strand): 5'-GCCGGGGCGCCGCTGTCACCCGCGCCTCTGCCTGTCACTTACCGTTGCGAAAAGCGCCGG[C>T]CGGGGCGAGGACGAGGGCGAGCACGGCGCAGAGGAGCGGCAGCCCCCTCTCCATTCTCCC-3'
Protein context (NP_003864.5, residues 9-29): CAVLALVLAP[Ala19Thr]GAFRNDKCGD

ClinVar aggregate classification (germline): Uncertain significance (0 of 4 stars; one submission).

Conditions:
NRP1-related disorder. Also called: NRP1-related condition.

gnomAD v4.1: 2 of 1,543,740 alleles (0.00013%); highest among the groups gnomAD compares: African/African-American, 0.0027%; no homozygotes.

Submission:

PreventionGenetics, part of Exact Sciences
Classification: Uncertain significance for NRP1-related condition. Last evaluated: 2024-05-15. Review status: no assertion criteria provided. Collection method: clinical testing. Allele origin: germline.
Comment: The NRP1 c.55G>A variant is predicted to result in the amino acid substitution p.Ala19Thr. To our knowledge, this variant has not been reported in the literature. This variant is reported in 0.014% of alleles in individuals of African descent in gnomAD. At this time, the clinical significance of this variant is uncertain due to the absence of conclusive functional and genetic evidence.